The following is an entry in ClinVar:

NM_001372.4(DNAH9):c.11114C>A (p.Ala3705Asp)

Gene: DNAH9 (dynein axonemal heavy chain 9; plus strand). Cytogenetic location: 17p12.
Variant type: single nucleotide variant.
Coding change: c.11114C>A on transcript NM_001372.4 (MANE Select); coding-DNA position 11114, C replaced by A.
Protein change: p.Ala3705Asp; replaces alanine 3705 with aspartic acid.
Molecular consequence: missense variant.
Genome position (GRCh38, 1-based): chr17:11,891,778, C>A. VCF-style: chr17-11891778-C-A. GRCh37 (hg19) VCF-style: chr17-11795095-C-A.
Other names: c.50C>A, p.Ala17Asp (NM_004662.2); short protein forms A17D, A3705D.
Identifiers: ClinVar variation 1348073 (VCV001348073.6), dbSNP rs746114434, ClinGen allele CA8397747.

ClinVar aggregate classification (germline): Uncertain significance (1 of 4 stars; one submission).

Allele frequency attached by ClinVar (database versions not stated): gnomAD 0.00001.
gnomAD v4.1: 4 of 1,613,786 alleles (0.00025%); highest among the groups gnomAD compares: Admixed American, 0.0033%; no homozygotes.

Submission:

Labcorp Genetics (formerly Invitae), Labcorp
Classification: Uncertain significance. Last evaluated: 2022-07-12. Review status: criteria provided, single submitter. Criteria: Invitae Variant Classification Sherloc (09022015). Collection method: clinical testing. Allele origin: germline.
Comment: In summary, the available evidence is currently insufficient to determine the role of this variant in disease. Therefore, it has been classified as a Variant of Uncertain Significance. Algorithms developed to predict the effect of missense changes on protein structure and function are either unavailable or do not agree on the potential impact of this missense change (SIFT: "Deleterious"; PolyPhen-2: "Possibly Damaging"; Align-GVGD: "Class C0"). ClinVar contains an entry for this variant (Variation ID: 1348073). This variant has not been reported in the literature in individuals affected with DNAH9-related conditions. This variant is present in population databases (rs746114434, gnomAD 0.003%). This sequence change replaces alanine, which is neutral and non-polar, with aspartic acid, which is acidic and polar, at codon 3705 of the DNAH9 protein (p.Ala3705Asp).